The following is an entry in ClinVar:

ClinVar aggregate classification (germline): Likely benign. Review status: criteria provided, multiple submitters, no conflicts (2 of 4 stars). 2 submissions from 2 submitters: Likely benign (2). Last evaluated 2018-06-16.

Allele frequency attached by ClinVar (database versions not stated): 1000 Genomes Project 0.00679; 1000 Genomes Project 30x 0.00750; gnomAD exomes 0.00992 and 0.01706; ExAC 0.01003; TOPMed 0.01351; gnomAD 0.01355 and 0.01421; ESP Exome Variant Server 0.01638.
gnomAD v4.1: 26,745 of 1,611,882 alleles (1.7%); highest among the groups gnomAD compares: Non-Finnish European, 2.1%; 328 homozygotes.

Submissions (2):

GeneDx
Classification: Likely benign. Last evaluated: 2018-06-16. Review status: criteria provided, single submitter. Criteria: GeneDx Variant Classification (06012015). Collection method: clinical testing. Allele origin: germline. Affected: yes.
Comment: This variant is considered likely benign or benign based on one or more of the following criteria: it is a conservative change, it occurs at a poorly conserved position in the protein, it is predicted to be benign by multiple in silico algorithms, and/or has population frequency not consistent with disease.

Breakthrough Genomics
Classification: Likely benign. Review status: criteria provided, single submitter. Criteria: ACMG Guidelines, 2015. Collection method: not provided. Allele origin: germline. Inheritance: Autosomal recessive inheritance. Affected: yes.

NM_016356.5(DCDC2):c.425+33A>G

Gene: DCDC2 (doublecortin domain containing 2; minus strand). Cytogenetic location: 6p22.3.
Variant type: single nucleotide variant.
Coding change: c.425+33A>G on transcript NM_016356.5 (MANE Select); 33 bases into the intron after coding-DNA position 425, A replaced by G.
Molecular consequence: intron variant.
Genome position (GRCh38, 1-based): chr6:24,301,935, T>C on the plus strand (A>G on the coding strand, the complement: DCDC2 is on the minus strand). VCF-style: chr6-24301935-T-C. GRCh37 (hg19) VCF-style: chr6-24302163-T-C.
Other names: c.425+33A>G (NM_001195610.2).
Identifiers: ClinVar variation 683197 (VCV000683197.2), dbSNP rs35029429, ClinGen allele CA3654770.
Genomic context (GRCh38, chr6:24,301,935, plus strand): 5'-ACAGTTATGCCTTGAAAACTACAACACAAATTCCAAACCAAAAGGAAACCACCAAGCCAA[T>C]TTTAACTTGAAGTATAAAGGGTTTCAACTTACAAGATAGTGCACGGCTCCTGAAGCGGTT-3'